The following is an entry in ClinVar:

ClinVar aggregate classification (germline): Likely benign (1 of 4 stars; one submission).

Conditions:
Familial cancer of breast. Also called: Hereditary breast cancer; hereditary breast carcinoma; BREAST CANCER, FAMILIAL. Identifiers: Orphanet 227535, MedGen C0346153, MONDO:0016419, OMIM 114480. Disease mechanism: loss of function.

gnomAD v4.1: 1 of 1,532,186 alleles (0.000065%); highest among the groups gnomAD compares: Non-Finnish European, 0.00009%; no homozygotes.

Submission:

Myriad Genetics, Inc.
Classification: Likely benign for Familial cancer of breast. Last evaluated: 2025-01-21. Review status: criteria provided, single submitter. Criteria: Myriad Autosomal Dominant, Autosomal Recessive and X-Linked Classification Criteria (2023). Collection method: clinical testing. Allele origin: unknown.
Comment: This variant is considered likely benign. This variant is intronic and is not expected to impact mRNA splicing.

NM_024675.4(PALB2):c.3114-16A>G

Gene: PALB2 (partner and localizer of BRCA2; minus strand). Cytogenetic location: 16p12.2.
Variant type: single nucleotide variant.
Coding change: c.3114-16A>G on transcript NM_024675.4 (MANE Select); 16 bases into the intron before coding-DNA position 3114, A replaced by G.
Molecular consequence: intron variant.
Genome position (GRCh38, 1-based): chr16:23,614,107, T>C on the plus strand (A>G on the coding strand, the complement: PALB2 is on the minus strand). VCF-style: chr16-23614107-T-C. GRCh37 (hg19) VCF-style: chr16-23625428-T-C.
Other names: c.2228+7255A>G (NM_001407308.1, NM_001407309.1); c.2229-16A>G (NM_001407306.1, NM_001407311.1, NM_001407305.1 and 2 more transcripts); c.648-16A>G (NM_001407314.1); c.1326-16A>G (NM_001407313.1, NM_001407312.1); c.3054-16A>G (NM_001407296.1); c.3042-16A>G (NM_001407297.1); c.2952-16A>G (NM_001407302.1, NM_001407298.1); c.2835-16A>G (NM_001407300.1); and 3 more.
Identifiers: ClinVar variation 3903819 (VCV003903819.1).